The following is an entry in ClinVar:

ClinVar aggregate classification (germline): Uncertain significance. Review status: criteria provided, multiple submitters, no conflicts (2 of 4 stars). 2 submissions from 2 submitters: Uncertain significance (2). Last evaluated 2021-12-31.

Conditions:
BLOOD GROUP--SWANN SYSTEM (SW). Also called: SWANN BLOOD GROUP. Identifiers: MedGen C1832169, OMIM 601550.
BLOOD GROUP, WALDNER (WD). Also called: WALDNER BLOOD GROUP ANTIGEN. Identifiers: MedGen C1862191, OMIM 112010.
BLOOD GROUP--FROESE (FR). Also called: FROESE BLOOD GROUP ANTIGEN. Identifiers: MedGen C1832168, OMIM 601551.
BLOOD GROUP--WRIGHT ANTIGEN (WR). Identifiers: MedGen C1862190, OMIM 112050.
Hereditary spherocytosis type 4. Also called: SLC4A1-Related Spherocytosis. Identifiers: Orphanet 822, MedGen C2675212, MONDO:0012981, OMIM 612653.
BLOOD GROUP--DIEGO SYSTEM (DI). Identifiers: MedGen C1292286, OMIM 110500.
Cryohydrocytosis. Also called: STOMATOCYTOSIS, COLD-SENSITIVE; CRYOHYDROCYTOSIS DUE TO BAND 3 HEMEL; CRYOHYDROCYTOSIS DUE TO BAND 3 HURSTPIERPOINT; CRYOHYDROCYTOSIS DUE TO BAND 3 BLACKBURN; Hereditary cryohydrocytosis with normal stomatin. Identifiers: Orphanet 398088, MedGen C1861453, MONDO:0008494, OMIM 185020.
Autosomal dominant distal renal tubular acidosis (DRTA1). Also called: RENAL TUBULAR ACIDOSIS, DISTAL, 1; RTA, CLASSIC TYPE; RTA, DISTAL TYPE, AUTOSOMAL DOMINANT; RTA, GRADIENT TYPE; Renal Tubular Acidosis, Type I. Identifiers: Orphanet 93608, MedGen CN280572, MONDO:0008368, OMIM 179800.
Renal tubular acidosis, distal, 4, with hemolytic anemia. Also called: Renal Tubular Acidosis, Distal, with Hemolytic Anemia. Identifiers: Orphanet 93610, MedGen C5436235, MONDO:0012700, OMIM 611590.
Southeast Asian ovalocytosis. Also called: HE, STOMATOCYTIC; Elliptocytosis 4; Stomatocytic elliptocytosis, hereditary; Ovalocytosis, Malaysian-Melanesian-Filipino type. Identifiers: Orphanet 98868, MedGen C1862322, MONDO:0008165, OMIM 166900.
Malaria, susceptibility to. Identifiers: Orphanet 673, MedGen C1970028, MONDO:0021024, OMIM 611162.

Allele frequency attached by ClinVar (database versions not stated): gnomAD exomes below 0.00001.
gnomAD v4.1: 2 of 1,614,156 alleles (0.00012%); highest among the groups gnomAD compares: Admixed American, 0.0033%; no homozygotes.

Submissions (2):

Labcorp Genetics (formerly Invitae), Labcorp
Classification: Uncertain significance. Last evaluated: 2021-12-31. Review status: criteria provided, single submitter. Criteria: Invitae Variant Classification Sherloc (09022015). Collection method: clinical testing. Allele origin: germline.
Comment: In summary, the available evidence is currently insufficient to determine the role of this variant in disease. Therefore, it has been classified as a Variant of Uncertain Significance. Advanced modeling of protein sequence and biophysical properties (such as structural, functional, and spatial information, amino acid conservation, physicochemical variation, residue mobility, and thermodynamic stability) performed at Invitae indicates that this missense variant is expected to disrupt SLC4A1 protein function. This variant has not been reported in the literature in individuals affected with SLC4A1-related conditions. This variant is present in population databases (no rsID available, gnomAD 0.003%). This sequence change replaces glycine, which is neutral and non-polar, with arginine, which is basic and polar, at codon 95 of the SLC4A1 protein (p.Gly95Arg).

Fulgent Genetics
Classification: Uncertain significance for BLOOD GROUP--DIEGO SYSTEM; BLOOD GROUP, WALDNER; BLOOD GROUP--WRIGHT ANTIGEN; Southeast Asian ovalocytosis; Autosomal dominant distal renal tubular acidosis; Cryohydrocytosis; BLOOD GROUP--SWANN SYSTEM; BLOOD GROUP--FROESE; Malaria, susceptibility to; Renal tubular acidosis, distal, 4, with hemolytic anemia; Hereditary spherocytosis type 4. Last evaluated: 2021-09-13. Review status: criteria provided, single submitter. Criteria: ACMG Guidelines, 2015. Collection method: clinical testing. Allele origin: unknown.

NM_000342.4(SLC4A1):c.283G>C (p.Gly95Arg)

Gene: SLC4A1 (solute carrier family 4 member 1 (Diego blood group); minus strand). Cytogenetic location: 17q21.31.
Variant type: single nucleotide variant.
Coding change: c.283G>C on transcript NM_000342.4 (MANE Select); coding-DNA position 283, G replaced by C.
Protein change: p.Gly95Arg; replaces glycine 95 with arginine.
Molecular consequence: missense variant.
Genome position (GRCh38, 1-based): chr17:44,260,701, C>G on the plus strand (G>C on the coding strand, the complement: SLC4A1 is on the minus strand). VCF-style: chr17-44260701-C-G. GRCh37 (hg19) VCF-style: chr17-42338069-C-G.
Other names: short protein forms G95R.
Identifiers: ClinVar variation 1352118 (VCV001352118.7), dbSNP rs1380205574, ClinGen allele CA399796062.